The following is an entry in ClinVar:

ClinVar aggregate classification (germline): Uncertain significance (1 of 4 stars; one submission).

Submission:

GeneDx
Classification: Uncertain significance. Last evaluated: 2022-06-16. Review status: criteria provided, single submitter. Criteria: GeneDx Variant Classification Process June 2021. Collection method: clinical testing. Allele origin: germline. Affected: yes.
Comment: Not observed at significant frequency in large population cohorts (gnomAD); In silico analysis supports that this missense variant has a deleterious effect on protein structure/function; Has not been previously published as pathogenic or benign to our knowledge

NM_001375524.1(TRRAP):c.10243G>C (p.Ala3415Pro)

Gene: TRRAP (transformation/transcription domain associated protein; plus strand). Cytogenetic location: 7q22.1.
Variant type: single nucleotide variant.
Coding change: c.10243G>C on transcript NM_001375524.1 (MANE Select); coding-DNA position 10243, G replaced by C.
Protein change: p.Ala3415Pro; replaces alanine 3415 with proline.
Molecular consequence: missense variant.
Genome position (GRCh38, 1-based): chr7:98,994,782, G>C. VCF-style: chr7-98994782-G-C. GRCh37 (hg19) VCF-style: chr7-98592405-G-C.
Other names: c.10201G>C, p.Ala3401Pro (NM_001244580.2); c.10114G>C, p.Ala3372Pro (NM_003496.4); short protein forms A3372P, A3401P, A3415P.
Identifiers: ClinVar variation 1804400 (VCV001804400.1), dbSNP rs2485015086, ClinGen allele CA368332996.